The following is an entry in ClinVar:

ClinVar aggregate classification (germline): Uncertain significance (1 of 4 stars; one submission).

Submission:

Labcorp Genetics (formerly Invitae), Labcorp
Classification: Uncertain significance. Last evaluated: 2023-10-29. Review status: criteria provided, single submitter. Criteria: Invitae Variant Classification Sherloc (09022015). Collection method: clinical testing. Allele origin: germline.
Comment: This sequence change replaces lysine, which is basic and polar, with asparagine, which is neutral and polar, at codon 336 of the TUBB2A protein (p.Lys336Asn). This variant is not present in population databases (gnomAD no frequency). This variant has not been reported in the literature in individuals affected with TUBB2A-related conditions. Advanced modeling of protein sequence and biophysical properties (such as structural, functional, and spatial information, amino acid conservation, physicochemical variation, residue mobility, and thermodynamic stability) performed at Invitae indicates that this missense variant is not expected to disrupt TUBB2A protein function with a negative predictive value of 80%. In summary, the available evidence is currently insufficient to determine the role of this variant in disease. Therefore, it has been classified as a Variant of Uncertain Significance.

NM_001069.3(TUBB2A):c.1008G>T (p.Lys336Asn)

Gene: TUBB2A (tubulin beta 2A class IIa; minus strand). Cytogenetic location: 6p25.2.
Variant type: single nucleotide variant.
Coding change: c.1008G>T on transcript NM_001069.3 (MANE Select); coding-DNA position 1008, G replaced by T.
Protein change: p.Lys336Asn; replaces lysine 336 with asparagine.
Molecular consequence: missense variant.
Genome position (GRCh38, 1-based): chr6:3,154,193, C>A on the plus strand (G>T on the coding strand, the complement: TUBB2A is on the minus strand). VCF-style: chr6-3154193-C-A. GRCh37 (hg19) VCF-style: chr6-3154427-C-A.
Other names: c.753G>T, p.Lys251Asn (NM_001310315.2); short protein forms K251N, K336N.
Identifiers: ClinVar variation 2732651 (VCV002732651.3), dbSNP rs2533523988, ClinGen allele CA362591451.
Genomic context (GRCh38, chr6:3,154,193, plus strand): 5'-GATGTCGCACACGGCCGTCTTCACGTTGTTGGGGATCCACTCCACGAAGTAGCTGCTGTT[C>A]TTGTTCTGCACGTTGAGCATCTGCTCGTCCACCTCCTTCATGGACATGCGGCCCCGGAAG-3'
Protein context (NP_001060.1, residues 326-346): VDEQMLNVQN[Lys336Asn]NSSYFVEWIP